The following is an entry in ClinVar:

ClinVar aggregate classification (germline): Conflicting classifications of pathogenicity. Review status: criteria provided, conflicting classifications (1 of 4 stars). 8 submissions from 8 submitters: Likely pathogenic (4); Uncertain significance (4). Last evaluated 2025-11-27.
ClinVar aggregate classification (oncogenicity): Likely oncogenic (1 of 4 stars; one submission).

Conditions:
Ataxia-telangiectasia syndrome (AT). Also called: LOUIS-BAR SYNDROME; Cerebello-oculocutaneous telangiectasia; Immunodeficiency with ataxia telangiectasia; Ataxia-telangiectasia, complementation group E; Ataxia-telangiectasia, complementation group D; Ataxia telangiectasia (A-T). Identifiers: Orphanet 100, MedGen C0004135, MONDO:0008840, OMIM 208900.
Familial cancer of breast. Also called: hereditary breast carcinoma; Hereditary breast cancer; BREAST CANCER, FAMILIAL. Identifiers: Orphanet 227535, MedGen C0346153, MONDO:0016419, OMIM 114480. Disease mechanism: loss of function.
Hereditary cancer-predisposing syndrome. Also called: Hereditary neoplastic syndrome; Tumor predisposition; Neoplastic Syndromes, Hereditary; Hereditary Cancer Syndrome. Identifiers: Orphanet 140162, MedGen C0027672, MeSH D009386, MONDO:0015356.
Neoplasm. Also called: Neoplasms; Neoplasm (disease); tumor. Identifiers: MedGen C0027651, MeSH D009369, MONDO:0005070, HP:0002664.

Submissions (9):

Center for Genomic Medicine, Rigshospitalet, Copenhagen University Hospital
Classification: Likely oncogenic for Neoplasm. Last evaluated: 2026-10-16. Review status: criteria provided, single submitter. Criteria: ClinGen/CGC/VICC Guidelines for Oncogenicity, 2022. Collection method: clinical testing. Allele origin: somatic. Affected: yes.

Ambry Genetics
Classification: Likely pathogenic for Hereditary cancer-predisposing syndrome. Last evaluated: 2025-11-27. Review status: criteria provided, single submitter. Criteria: Ambry Variant Classification Scheme 2023. Collection method: clinical testing. Allele origin: germline.
Comment: The c.4612G>T variant (also known as p.V1538L) is located in coding exon 30 of the ATM gene. The valine at codon 1538 is replaced by leucine, an amino acid with highly similar properties. This change occurs in the first base pair of coding exon 30. This nucleotide position is highly conserved in available vertebrate species. In silico splice site analysis predicts that this alteration may weaken the native splice acceptor site. RNA studies have demonstrated that this alteration results in abnormal splicing in the set of samples tested (Ambry internal data). This variant is considered to be rare based on population cohorts in the Genome Aggregation Database (gnomAD). Based on the majority of available evidence to date, this variant is likely to be pathogenic.

Quest Diagnostics Nichols Institute San Juan Capistrano
Classification: Uncertain significance. Last evaluated: 2024-12-04. Review status: criteria provided, single submitter. Criteria: Quest Diagnostics criteria. Collection method: clinical testing. Allele origin: unknown.

Institute for Biomarker Research, Medical Diagnostic Laboratories, L.L.C.
Classification: Likely pathogenic for Hereditary cancer-predisposing syndrome. Last evaluated: 2024-10-22. Review status: criteria provided, single submitter. Criteria: ACMG Guidelines, 2015. Collection method: clinical testing. Allele origin: germline.
Comment: The missense variant NM_000051.4(ATM):c.4612G>T (p.Val1538Leu) causes a change at the same amino acid residue as a previously established pathogenic variant. The p.Val1538Leu variant is novel (not in any individuals) in gnomAD. The p.Val1538Leu variant is novel (not in any individuals) in 1kG. There is a small physicochemical difference between valine and leucine, which is not likely to impact secondary protein structure as these residues share similar properties. The gene ATM has a low rate of benign missense variation as indicated by a high missense variants Z-Score of 2.52.The p.Val1538Leu missense variant is predicted to be damaging by both SIFT and PolyPhen2. The valine residue at codon 1538 of ATM is conserved in all mammalian species. The nucleotide c.4612 in ATM is predicted conserved by GERP++ and PhyloP across 100 vertebrates. For these reasons, this variant has been classified as Likely Pathogenic

Myriad Genetics, Inc.
Classification: Likely pathogenic for Familial cancer of breast. Last evaluated: 2024-06-24. Review status: criteria provided, single submitter. Criteria: Myriad Autosomal Dominant, Autosomal Recessive and X-Linked Classification Criteria (2023). Collection method: clinical testing. Allele origin: unknown.
Comment: This variant is considered likely pathogenic. mRNA analysis has demonstrated abnormal mRNA splicing occurs [Myriad internal data].

Labcorp Genetics (formerly Invitae), Labcorp
Classification: Uncertain significance for Ataxia-telangiectasia syndrome. Last evaluated: 2024-03-09. Review status: criteria provided, single submitter. Criteria: Invitae Variant Classification Sherloc (09022015). Collection method: clinical testing. Allele origin: germline.
Comment: This sequence change replaces valine, which is neutral and non-polar, with leucine, which is neutral and non-polar, at codon 1538 of the ATM protein (p.Val1538Leu). This variant is not present in population databases (gnomAD no frequency). This variant has not been reported in the literature in individuals affected with ATM-related conditions. ClinVar contains an entry for this variant (Variation ID: 524317). An algorithm developed to predict the effect of missense changes on protein structure and function (PolyPhen-2) suggests that this variant is likely to be tolerated. Studies have shown that this missense change is associated with altered splicing resulting in multiple RNA products (Invitae). In summary, the available evidence is currently insufficient to determine the role of this variant in disease. Therefore, it has been classified as a Variant of Uncertain Significance.

Baylor Genetics
Classification: Likely pathogenic for Familial cancer of breast. Last evaluated: 2024-01-04. Review status: criteria provided, single submitter. Criteria: ACMG Guidelines, 2015. Collection method: clinical testing. Allele origin: unknown.

Neuberg Centre For Genomic Medicine, NCGM
Classification: Uncertain significance for Ataxia-telangiectasia syndrome. Last evaluated: 2023-05-20. Review status: criteria provided, single submitter. Criteria: ACMG Guidelines, 2015. Collection method: clinical testing. Allele origin: germline. Inheritance: Autosomal recessive inheritance. Affected: yes.
Comment: The observed missense c.4612G>T(p.Val1538Leu) variant in ATM gene has not been reported previously as a pathogenic variant nor as a benign variant, to our knowledge. The p.Val1538Leu variant is absent in gnomAD Exomes database. This variant has been reported to the ClinVar database as Likely Pathogenic/ Uncertain significance. Multiple lines of computational evidence (Polyphen - possibly damaging , SIFT - damaging and MutationTaster - disease causing) predict a damaging effect on protein structure and function for this variant. The reference amino acid is predicted as conserved by GERP++ and PhyloP across 100 vertebrates. The amino acid Val at position 1538 is changed to a Leu changing protein sequence and it might alter its composition and physico-chemical properties. For these reasons, this variant has been classified as Uncertain Significance (VUS).

GeneDx
Classification: Uncertain significance. Last evaluated: 2019-07-31. Review status: criteria provided, single submitter. Criteria: GeneDx Variant Classification Process June 2021. Collection method: clinical testing. Allele origin: germline. Affected: yes.
Comment: Not observed in large population cohorts (Lek 2016); Has not been previously published as pathogenic or benign to our knowledge; While protein-based in silico analysis supports that this variant does not alter protein structure/function, splice predictors support a deleterious effect. However, in the absence of RNA or functional studies, the actual effect of this sequence change is unknown

NM_000051.4(ATM):c.4612G>T (p.Val1538Leu)

Gene: ATM (ATM serine/threonine kinase; plus strand). Cytogenetic location: 11q22.3.
Variant type: single nucleotide variant.
Coding change: c.4612G>T on transcript NM_000051.4 (MANE Select); coding-DNA position 4612, G replaced by T.
Protein change: p.Val1538Leu; replaces valine 1538 with leucine.
Molecular consequence: missense variant.
Genome position (GRCh38, 1-based): chr11:108,293,313, G>T. VCF-style: chr11-108293313-G-T. GRCh37 (hg19) VCF-style: chr11-108164040-G-T.
Other names: c.4612G>T, p.Val1538Leu (NM_001351834.2); short protein forms V1538L.
Identifiers: ClinVar variation 524317 (VCV000524317.20), dbSNP rs1034235291, ClinGen allele CA228379070.
Genomic context (GRCh38, chr11:108,293,313, plus strand): 5'-GTTGGCTTACTTTAAAATTATTTCTCTCCTTATAATTTTTTCTTTTTAAATTATATTTAG[G>T]TATTGGACTTGTTGAAATACTTAGTGATAGATAACAAGGATAATGAAAACCTCTATATCA-3'
Protein context (NP_000042.3, residues 1528-1548): VYEQVEVQKQ[Val1538Leu]LDLLKYLVID